The following is an entry in ClinVar:

NM_001184.4(ATR):c.5375C>T (p.Ala1792Val)

Gene: ATR (ATR checkpoint kinase; minus strand). Cytogenetic location: 3q23.
Variant type: single nucleotide variant.
Coding change: c.5375C>T on transcript NM_001184.4 (MANE Select); coding-DNA position 5375, C replaced by T.
Protein change: p.Ala1792Val; replaces alanine 1792 with valine.
Molecular consequence: missense variant.
Genome position (GRCh38, 1-based): chr3:142,499,632, G>A on the plus strand (C>T on the coding strand, the complement: ATR is on the minus strand). VCF-style: chr3-142499632-G-A. GRCh37 (hg19) VCF-style: chr3-142218474-G-A.
Other names: c.5183C>T, p.Ala1728Val (NM_001354579.2); short protein forms A1728V, A1792V.
Identifiers: ClinVar variation 2587581 (VCV002587581.2), dbSNP rs2108344510, ClinGen allele CA354816680.

ClinVar aggregate classification (germline): Uncertain significance (1 of 4 stars; one submission).

Conditions:
Inborn genetic diseases. Identifiers: MedGen C0950123, MeSH D030342.

Allele frequency attached by ClinVar (database versions not stated): gnomAD exomes below 0.00001.
gnomAD v4.1: 1 of 1,613,720 alleles (0.000062%); highest among the groups gnomAD compares: Non-Finnish European, 0.000085%; no homozygotes.

Submission:

Ambry Genetics
Classification: Uncertain significance for Inborn genetic diseases. Last evaluated: 2023-08-01. Review status: criteria provided, single submitter. Criteria: Ambry Variant Classification Scheme 2023. Collection method: clinical testing. Allele origin: germline.
Comment: The p.A1792V variant (also known as c.5375C>T), located in coding exon 31 of the ATR gene, results from a C to T substitution at nucleotide position 5375. The alanine at codon 1792 is replaced by valine, an amino acid with similar properties. This amino acid position is conserved. In addition, this alteration is predicted to be tolerated by in silico analysis. Since supporting evidence is limited at this time, the clinical significance of this alteration remains unclear.